The following is an entry in ClinVar:

NM_139276.3(STAT3):c.1027G>A (p.Val343Ile)

Gene: STAT3 (signal transducer and activator of transcription 3; minus strand). Cytogenetic location: 17q21.2.
Variant type: single nucleotide variant.
Coding change: c.1027G>A on transcript NM_139276.3 (MANE Select); coding-DNA position 1027, G replaced by A.
Protein change: p.Val343Ile; replaces valine 343 with isoleucine.
Molecular consequence: missense variant.
Genome position (GRCh38, 1-based): chr17:42,333,695, C>T on the plus strand (G>A on the coding strand, the complement: STAT3 is on the minus strand). VCF-style: chr17-42333695-C-T. GRCh37 (hg19) VCF-style: chr17-40485713-C-T.
Other names: c.1027G>A, p.Val343Ile (NM_001369512.1, NM_001369513.1, NM_001369514.1 and 15 more transcripts); c.949G>A, p.Val317Ile (NM_001384985.1); c.931G>A, p.Val311Ile (NM_001384989.1); short protein forms V343I, V317I, V311I.
Identifiers: ClinVar variation 4782877 (VCV004782877.1).
Genomic context (GRCh38, chr17:42,333,695, plus strand): 5'-GTAAAATCTCTACTGGAAATGGAAGTGGCATGGCCTACCTGACTTTAGTAGTGAACTGGA[C>T]GCCGGTCTTGATGACGAGGGGCCGGTCAGGATGCATGGGCATGCAGGGCTGCCGCTCCAC-3'
Protein context (NP_644805.1, residues 333-353): PDRPLVIKTG[Val343Ile]QFTTKVRLLV

ClinVar aggregate classification (germline): Uncertain significance (1 of 4 stars; one submission).

Conditions:
STAT3 gain of function. Identifiers: MedGen C4288261.
Hyper-IgE recurrent infection syndrome 1, autosomal dominant. Also called: JOB SYNDROME; Job's Syndrome; STAT3 Hyper IgE Syndrome; Hyper-IgE recurrent infection syndrome 1; HYPER-IgE SYNDROME 1, AUTOSOMAL DOMINANT, WITH RECURRENT INFECTIONS. Identifiers: Orphanet 2314, MedGen C2936739, MONDO:0007818, OMIM 147060.

Submission:

Labcorp Genetics (formerly Invitae), Labcorp
Classification: Uncertain significance for STAT3 gain of function; Hyper-IgE recurrent infection syndrome 1, autosomal dominant. Last evaluated: 2025-03-24. Review status: criteria provided, single submitter. Criteria: Invitae Variant Classification Sherloc (09022015). Collection method: clinical testing. Allele origin: germline.
Comment: This sequence change replaces valine, which is neutral and non-polar, with isoleucine, which is neutral and non-polar, at codon 343 of the STAT3 protein (p.Val343Ile). This variant is not present in population databases (gnomAD no frequency). This variant has not been reported in the literature in individuals affected with STAT3-related conditions. Invitae Evidence Modeling of protein sequence and biophysical properties (such as structural, functional, and spatial information, amino acid conservation, physicochemical variation, residue mobility, and thermodynamic stability) indicates that this missense variant is not expected to disrupt STAT3 protein function with a negative predictive value of 80%. This variant disrupts the p.Val343 amino acid residue in STAT3. Other variant(s) that disrupt this residue have been observed in individuals with STAT3-related conditions (PMID: 18602572, 31829468), which suggests that this may be a clinically significant amino acid residue. In summary, the available evidence is currently insufficient to determine the role of this variant in disease. Therefore, it has been classified as a Variant of Uncertain Significance.

Literature cited by the submitters: PubMed 18602572; PubMed 31829468.